The following is an entry in ClinVar:

NM_004369.4(COL6A3):c.8965+302G>A

Gene: COL6A3 (collagen type VI alpha 3 chain; minus strand). Cytogenetic location: 2q37.3.
Variant type: single nucleotide variant.
Coding change: c.8965+302G>A on transcript NM_004369.4 (MANE Select); 302 bases into the intron after coding-DNA position 8965, G replaced by A.
Molecular consequence: intron variant.
Genome position (GRCh38, 1-based): chr2:237,335,833, C>T on the plus strand (G>A on the coding strand, the complement: COL6A3 is on the minus strand). VCF-style: chr2-237335833-C-T. GRCh37 (hg19) VCF-style: chr2-238244476-C-T.
Other names: c.7144+302G>A (NM_057166.5); c.8347+302G>A (NM_057167.4).
Identifiers: ClinVar variation 671313 (VCV000671313.1), dbSNP rs11682162, ClinGen allele CA11308289.

ClinVar aggregate classification (germline): Benign (1 of 4 stars; one submission).

Allele frequency attached by ClinVar (database versions not stated): 1000 Genomes Project 30x 0.04575; 1000 Genomes Project 0.04653; TOPMed 0.06856; gnomAD 0.07185 and 0.07289.
gnomAD v4.1: 10,990 of 152,260 alleles (7.2%); highest among the groups gnomAD compares: Non-Finnish European, 10%; 494 homozygotes.

Submission:

GeneDx
Classification: Benign. Last evaluated: 2018-06-16. Review status: criteria provided, single submitter. Criteria: GeneDx Variant Classification (06012015). Collection method: clinical testing. Allele origin: germline. Affected: yes.
Comment: This variant is considered likely benign or benign based on one or more of the following criteria: it is a conservative change, it occurs at a poorly conserved position in the protein, it is predicted to be benign by multiple in silico algorithms, and/or has population frequency not consistent with disease.